The following is an entry in ClinVar:

NM_012434.5(SLC17A5):c.886G>A (p.Val296Ile)

Gene: SLC17A5 (solute carrier family 17 member 5; minus strand). Cytogenetic location: 6q13.
Variant type: single nucleotide variant.
Coding change: c.886G>A on transcript NM_012434.5 (MANE Select); coding-DNA position 886, G replaced by A.
Protein change: p.Val296Ile; replaces valine 296 with isoleucine.
Molecular consequence: missense variant.
Genome position (GRCh38, 1-based): chr6:73,621,896, C>T on the plus strand (G>A on the coding strand, the complement: SLC17A5 is on the minus strand). VCF-style: chr6-73621896-C-T. GRCh37 (hg19) VCF-style: chr6-74331619-C-T.
Other names: NM_012434.4(SLC17A5):c.886G>A(p.Val296Ile); short protein forms V296I.
Identifiers: ClinVar variation 198552 (VCV000198552.21), dbSNP rs16883930, ClinGen allele CA203496.
Genomic context (GRCh38, chr6:73,621,896, plus strand): 5'-TATAAGTAGGCAATAATGTCAATAAAGTATAAAAAGTCCAGTTGTAAGAAAAGTGTGCAA[C>T]TACGATAGCCCAAAGTGGCAGGGATTTTAAAATGGGTACCCACGGCACTGACTTCTGTGA-3'
Protein context (NP_036566.1, residues 286-306): LKSLPLWAIV[Val296Ile]AHFSYNWTFY

ClinVar aggregate classification (germline): Benign/Likely benign. Review status: criteria provided, multiple submitters, no conflicts (2 of 4 stars). 8 submissions from 8 submitters: Benign (6); Likely benign (1). 1 of the submissions does not count toward it. Last evaluated 2026-02-04.

Conditions:
Sialic acid storage disease, severe infantile type (ISSD). Also called: N-ACETYLNEURAMINIC ACID STORAGE DISEASE; NANA STORAGE DISEASE; SIALURIA, INFANTILE FORM; Infantile Sialic Acid Storage Disease; INFANTILE SIALIC ACID STORAGE DISORDER; Free sialic acid storage disease, infantile form. Identifiers: Orphanet 309324, Orphanet 834, MedGen C1096902, MONDO:0010027, OMIM 269920.
Salla disease (SD). Also called: Sialuria, Finnish type; N-acetylneuraminic acid (NANA) storage disease (NSD); Infantile sialic acid storage disorder (ISSD); Less Severe FSASD (Salla Disease). Identifiers: Orphanet 309334, Orphanet 834, MedGen C1096903, MONDO:0011449, OMIM 604369.

Allele frequency attached by ClinVar (database versions not stated): ESP Exome Variant Server 0.00669; gnomAD exomes 0.01101 and 0.02362; gnomAD 0.01342 and 0.01487; TOPMed 0.01765; ExAC 0.02210; 1000 Genomes Project 0.03994; 1000 Genomes Project 30x 0.04013.
gnomAD v4.1: 18,894 of 1,613,866 alleles (1.2%); highest among the groups gnomAD compares: East Asian, 10%; 463 homozygotes.

Submissions (8):

Labcorp Genetics (formerly Invitae), Labcorp
Classification: Benign for Salla disease. Last evaluated: 2026-02-04. Review status: criteria provided, single submitter. Criteria: Invitae Variant Classification Sherloc (09022015). Collection method: clinical testing. Allele origin: germline.

Mayo Clinic Laboratories, Mayo Clinic
Classification: Benign. Last evaluated: 2022-03-24. Review status: criteria provided, single submitter. Criteria: ACMG Guidelines, 2015. Collection method: clinical testing. Allele origin: germline. Observed: 50 variant alleles.

SIB Swiss Institute of Bioinformatics
Classification: Benign. Last evaluated: 2018-05-31. Review status: criteria provided, single submitter. Criteria: ACMG Guidelines, 2015. Collection method: curation. Allele origin: unknown.
Comment: This variant is interpreted as a Benign - Stand Alone. The following ACMG Tag(s) were applied: BA1 => Allele frequency is >5% in Exome Sequencing Project, 1000 Genomes Project, or Exome Aggregation Consortium.

Illumina Laboratory Services, Illumina
Classification: Benign for Sialic acid storage disease, severe infantile type. Last evaluated: 2018-01-12. Review status: criteria provided, single submitter. Criteria: ICSL Variant Classification Criteria 13 December 2019. Collection method: clinical testing. Allele origin: germline.
Comment: This variant was observed in the ICSL laboratory as part of a predisposition screen in an ostensibly healthy population. It had not been previously curated by ICSL or reported in the Human Gene Mutation Database (HGMD: prior to June 1st, 2018), and was therefore a candidate for classification through an automated scoring system. Utilizing variant allele frequency, disease prevalence and penetrance estimates, and inheritance mode, an automated score was calculated to assess if this variant is too frequent to cause the disease. Based on the score and internal cut-off values, a variant classified as benign is not then subjected to further curation. The score for this variant resulted in a classification of benign for this disease.

GeneDx
Classification: Benign. Last evaluated: 2016-04-12. Review status: criteria provided, single submitter. Criteria: GeneDx Variant Classification (06012015). Collection method: clinical testing. Allele origin: germline. Affected: yes.
Comment: This variant is considered likely benign or benign based on one or more of the following criteria: it is a conservative change, it occurs at a poorly conserved position in the protein, it is predicted to be benign by multiple in silico algorithms, and/or has population frequency not consistent with disease.

Eurofins Ntd Llc (ga)
Classification: Benign. Last evaluated: 2014-10-14. Review status: criteria provided, single submitter. Criteria: EGL Classification Definitions 2015. Collection method: clinical testing. Allele origin: germline. Observed: 2 variant alleles, 2 heterozygotes.

Breakthrough Genomics
Classification: Likely benign. Review status: criteria provided, single submitter. Criteria: ACMG Guidelines, 2015. Collection method: not provided. Allele origin: germline. Inheritance: Autosomal recessive inheritance. Affected: yes.

Natera, Inc.
Classification: Benign for Salla disease. Last evaluated: 2020-09-16. Review status: no assertion criteria provided. Collection method: clinical testing. Allele origin: germline. Not counted in ClinVar's aggregate classification.